The following is an entry in ClinVar:

NM_000540.3(RYR1):c.13715T>C (p.Phe4572Ser)

Gene: RYR1 (ryanodine receptor 1; plus strand). Cytogenetic location: 19q13.2.
Variant type: single nucleotide variant.
Coding change: c.13715T>C on transcript NM_000540.3 (MANE Select); coding-DNA position 13715, T replaced by C.
Protein change: p.Phe4572Ser; replaces phenylalanine 4572 with serine.
Molecular consequence: missense variant.
Genome position (GRCh38, 1-based): chr19:38,570,662, T>C. VCF-style: chr19-38570662-T-C. GRCh37 (hg19) VCF-style: chr19-39061302-T-C.
Other names: c.13700T>C, p.Phe4567Ser (NM_001042723.2); short protein forms F4567S, F4572S.
Identifiers: ClinVar variation 5008334 (VCV005008334.1).
Genomic context (GRCh38, chr19:38,570,662, plus strand): 5'-CTCAGAACTACCTGTCCCGGAACTTTTACACCCTGCGGTTCCTTGCCCTCTTCTTGGCAT[T>C]TGCCATCAACTTCATCTTGCTGTTTTATAAGGTGCTGGTCCTGAAGGGCTGGGAGGGTCA-3'
Protein context (NP_000531.2, residues 4562-4582): TLRFLALFLA[Phe4572Ser]AINFILLFYK

ClinVar aggregate classification (germline): Uncertain significance (1 of 4 stars; one submission).

Submission:

GeneDx
Classification: Uncertain significance. Last evaluated: 2026-03-01. Review status: criteria provided, single submitter. Criteria: GeneDx Variant Classification Process June 2021. Collection method: clinical testing. Allele origin: germline.
Comment: Not observed at significant frequency in large population cohorts (gnomAD); In silico analysis supports that this missense variant has a deleterious effect on protein structure/function; Has not been previously published as pathogenic or benign to our knowledge